The following is an entry in ClinVar:

NM_177400.3(NKX6-2):c.290C>T (p.Ala97Val)

Gene: NKX6-2 (NK6 homeobox 2; minus strand). Cytogenetic location: 10q26.3.
Variant type: single nucleotide variant.
Coding change: c.290C>T on transcript NM_177400.3 (MANE Select); coding-DNA position 290, C replaced by T.
Protein change: p.Ala97Val; replaces alanine 97 with valine.
Molecular consequence: missense variant.
Genome position (GRCh38, 1-based): chr10:132,785,659, G>A on the plus strand (C>T on the coding strand, the complement: NKX6-2 is on the minus strand). VCF-style: chr10-132785659-G-A. GRCh37 (hg19) VCF-style: chr10-134599163-G-A.
Other names: p.Ala97Val; short protein forms A97V.
Identifiers: ClinVar variation 1406193 (VCV001406193.7), dbSNP rs577964890, ClinGen allele CA216760319.

ClinVar aggregate classification (germline): Conflicting classifications of pathogenicity. Review status: criteria provided, conflicting classifications (1 of 4 stars). 4 submissions from 4 submitters: Uncertain significance (2); Benign (1); Likely benign (1). Last evaluated 2025-12-08.

Allele frequency attached by ClinVar (database versions not stated): gnomAD exomes 0.00026 and 0.00037; gnomAD 0.00485 and 0.00526; 1000 Genomes Project 30x 0.00547; 1000 Genomes Project 0.00579.
gnomAD v4.1: 1,158 of 1,248,494 alleles (0.093%); highest among the groups gnomAD compares: African/African-American, 1.7%; 10 homozygotes.

Submissions (4):

Labcorp Genetics (formerly Invitae), Labcorp
Classification: Uncertain significance. Last evaluated: 2025-12-08. Review status: criteria provided, single submitter. Criteria: Invitae Variant Classification Sherloc (09022015). Collection method: clinical testing. Allele origin: germline.
Comment: This sequence change replaces alanine, which is neutral and non-polar, with valine, which is neutral and non-polar, at codon 97 of the NKX6-2 protein (p.Ala97Val). The frequency data for this variant in the population databases is considered unreliable, as metrics indicate poor data quality at this position in the gnomAD database. This variant has not been reported in the literature in individuals affected with NKX6-2-related conditions. ClinVar contains an entry for this variant (Variation ID: 1406193). Invitae Evidence Modeling of protein sequence and biophysical properties (such as structural, functional, and spatial information, amino acid conservation, physicochemical variation, residue mobility, and thermodynamic stability) indicates that this missense variant is not expected to disrupt NKX6-2 protein function with a negative predictive value of 80%. In summary, the available evidence is currently insufficient to determine the role of this variant in disease. Therefore, it has been classified as a Variant of Uncertain Significance.

Mayo Clinic Laboratories, Mayo Clinic
Classification: Benign. Last evaluated: 2025-03-25. Review status: criteria provided, single submitter. Criteria: ACMG Guidelines, 2015. Collection method: clinical testing. Allele origin: germline. Observed: 1 variant allele.
Comment: BS1, BS2

Blueprint Genetics
Classification: Likely benign. Last evaluated: 2024-11-27. Review status: criteria provided, single submitter. Criteria: ACMG Guidelines, 2015. Collection method: clinical testing. Allele origin: germline.

Breakthrough Genomics
Classification: Uncertain significance. Review status: criteria provided, single submitter. Criteria: ACMG Guidelines, 2015. Collection method: not provided. Allele origin: germline. Inheritance: Autosomal recessive inheritance. Affected: yes.